The following is an entry in ClinVar:

ClinVar aggregate classification (germline): Uncertain significance (1 of 4 stars; one submission).

Conditions:
Epilepsy, progressive myoclonic, 1B. Also called: PME. Identifiers: Orphanet 308, MedGen C2676254, MONDO:0012904, OMIM 612437.

Allele frequency attached by ClinVar (database versions not stated): gnomAD exomes below 0.00001; ExAC 0.00001.

Submission:

Labcorp Genetics (formerly Invitae), Labcorp
Classification: Uncertain significance for Epilepsy, progressive myoclonic, 1B. Last evaluated: 2022-03-19. Review status: criteria provided, single submitter. Criteria: Invitae Variant Classification Sherloc (09022015). Collection method: clinical testing. Allele origin: germline.
Comment: In summary, the available evidence is currently insufficient to determine the role of this variant in disease. Therefore, it has been classified as a Variant of Uncertain Significance. Algorithms developed to predict the effect of missense changes on protein structure and function (SIFT, PolyPhen-2, Align-GVGD) all suggest that this variant is likely to be disruptive. ClinVar contains an entry for this variant (Variation ID: 1041415). This variant has not been reported in the literature in individuals affected with PRICKLE1-related conditions. This variant is present in population databases (rs773561952, gnomAD 0.0009%). This sequence change replaces tyrosine, which is neutral and polar, with cysteine, which is neutral and slightly polar, at codon 230 of the PRICKLE1 protein (p.Tyr230Cys).

NM_153026.3(PRICKLE1):c.689A>G (p.Tyr230Cys)

Gene: PRICKLE1 (prickle planar cell polarity protein 1; minus strand). Cytogenetic location: 12q12.
Variant type: single nucleotide variant.
Coding change: c.689A>G on transcript NM_153026.3 (MANE Select); coding-DNA position 689, A replaced by G.
Protein change: p.Tyr230Cys; replaces tyrosine 230 with cysteine.
Molecular consequence: missense variant.
Genome position (GRCh38, 1-based): chr12:42,466,280, T>C on the plus strand (A>G on the coding strand, the complement: PRICKLE1 is on the minus strand). VCF-style: chr12-42466280-T-C. GRCh37 (hg19) VCF-style: chr12-42860082-T-C.
Other names: c.689A>G, p.Tyr230Cys (NM_001144881.2, NM_001144882.2, NM_001144883.2); short protein forms Y230C.
Identifiers: ClinVar variation 1041415 (VCV001041415.8), dbSNP rs773561952, ClinGen allele CA6519862.